The following is an entry in ClinVar:

NM_000195.5(HPS1):c.255+9A>G

Gene: HPS1 (HPS1 biogenesis of lysosomal organelles complex 3 subunit 1; minus strand). Cytogenetic location: 10q24.2.
Variant type: single nucleotide variant.
Coding change: c.255+9A>G on transcript NM_000195.5 (MANE Select); 9 bases into the intron after coding-DNA position 255, A replaced by G.
Molecular consequence: intron variant.
Genome position (GRCh38, 1-based): chr10:98,435,626, T>C on the plus strand (A>G on the coding strand, the complement: HPS1 is on the minus strand). VCF-style: chr10-98435626-T-C. GRCh37 (hg19) VCF-style: chr10-100195383-T-C.
Other names: p.?; c.29+9A>G (NM_001322483.2, NM_001322485.2, NM_001322484.2); c.255+9A>G (NM_001322480.2, NM_001322478.2, NM_001322476.2 and 8 more transcripts); c.-519+9A>G (NM_001322489.2); c.-662+9A>G (NM_001311345.2); c.-761+9A>G (NM_001322487.2).
Identifiers: ClinVar variation 298352 (VCV000298352.23), dbSNP rs78927693, ClinGen allele CA5639465.

ClinVar aggregate classification (germline): Benign/Likely benign. Review status: criteria provided, multiple submitters, no conflicts (2 of 4 stars). 7 submissions from 7 submitters: Benign (4); Likely benign (2). 1 of the submissions does not count toward it. Last evaluated 2026-02-04.

Conditions:
Hermansky-Pudlak syndrome (HPS). Also called: ALBINISM WITH HEMORRHAGIC DIATHESIS AND PIGMENTED RETICULOENDOTHELIAL CELLS. Identifiers: Orphanet 79430, MedGen C0079504, MONDO:0019312.
Hermansky-Pudlak syndrome 1 (HPS1). Also called: DELTA STORAGE POOL DISEASE. Identifiers: Orphanet 231500, Orphanet 79430, MedGen C2931875, MONDO:0008748, OMIM 203300.

Allele frequency attached by ClinVar (database versions not stated): gnomAD 0.00814 and 0.00885; 1000 Genomes Project 0.00839; gnomAD exomes 0.00123 and 0.00243; ExAC 0.00265; 1000 Genomes Project 30x 0.00859; TOPMed 0.00893; ESP Exome Variant Server 0.00915.
gnomAD v4.1: 3,130 of 1,614,068 alleles (0.19%); highest among the groups gnomAD compares: African/African-American, 2.5%; 24 homozygotes.

Submissions (7):

Labcorp Genetics (formerly Invitae), Labcorp
Classification: Benign. Last evaluated: 2026-02-04. Review status: criteria provided, single submitter. Criteria: Invitae Variant Classification Sherloc (09022015). Collection method: clinical testing. Allele origin: germline.

Mayo Clinic Laboratories, Mayo Clinic
Classification: Benign. Last evaluated: 2024-08-08. Review status: criteria provided, single submitter. Criteria: ACMG Guidelines, 2015. Collection method: clinical testing. Allele origin: germline. Observed: 3 variant alleles.
Comment: BS1, BS2

Genetic Services Laboratory, University of Chicago
Classification: Benign. Last evaluated: 2020-04-13. Review status: criteria provided, single submitter. Criteria: ACMG Guidelines, 2015. Collection method: clinical testing. Allele origin: germline. Affected: no.

GeneDx
Classification: Likely benign. Last evaluated: 2019-12-20. Review status: criteria provided, single submitter. Criteria: GeneDx Variant Classification Process June 2021. Collection method: clinical testing. Allele origin: germline. Affected: yes.

Illumina Laboratory Services, Illumina
Classification: Benign for Hermansky-Pudlak syndrome 1. Last evaluated: 2018-01-13. Review status: criteria provided, single submitter. Criteria: ICSL Variant Classification Criteria 13 December 2019. Collection method: clinical testing. Allele origin: germline.
Comment: This variant was observed in the ICSL laboratory as part of a predisposition screen in an ostensibly healthy population. It had not been previously curated by ICSL or reported in the Human Gene Mutation Database (HGMD: prior to June 1st, 2018), and was therefore a candidate for classification through an automated scoring system. Utilizing variant allele frequency, disease prevalence and penetrance estimates, and inheritance mode, an automated score was calculated to assess if this variant is too frequent to cause the disease. Based on the score and internal cut-off values, a variant classified as benign is not then subjected to further curation. The score for this variant resulted in a classification of benign for this disease.

Breakthrough Genomics
Classification: Likely benign. Review status: criteria provided, single submitter. Criteria: ACMG Guidelines, 2015. Collection method: not provided. Allele origin: germline. Inheritance: Autosomal recessive inheritance. Affected: yes.

Natera, Inc.
Classification: Benign for Hermansky-Pudlak syndrome. Last evaluated: 2020-04-11. Review status: no assertion criteria provided. Collection method: clinical testing. Allele origin: germline. Not counted in ClinVar's aggregate classification.